The following is an entry in ClinVar:

NM_000138.5(FBN1):c.6497-7_6497-6del

Gene: FBN1 (fibrillin 1; minus strand). Cytogenetic location: 15q21.1.
Variant type: Deletion.
Coding change: c.6497-7_6497-6del on transcript NM_000138.5 (MANE Select); 7 bases into the intron before coding-DNA position 6497 through 6 bases into the intron before coding-DNA position 6497, 2 bases deleted (CT; older notation c.6497-7_6497-6delCT).
Molecular consequence: intron variant.
Genome position (GRCh38, 1-based): chr15:48,434,719-48,434,720, AG deleted on the plus strand (CT on the coding strand, the reverse complement: FBN1 is on the minus strand); deleting any 2 consecutive bases within chr15:48,434,719-48,434,721 gives the same sequence; the c. name uses the placement nearest the transcript's 3' end. VCF-style (leftmost placement, unchanged base first): chr15-48434718-AAG-A. GRCh37 (hg19) VCF-style: chr15-48726915-AAG-A.
Other names: c.6497-7_6497-6del (NM_001406716.1).
Identifiers: ClinVar variation 4987047 (VCV004987047.1).
Genomic context (GRCh38, chr15:48,434,718, plus strand): 5'-CACATTCTTGCAGGTTCCATTTCCACAAGGATTGCCAACAGAACATTCATCAGTATCTGC[AAG>A]AAACCAGGAATGTGTCCAAAACATGATGAATTGAGATAATACCTTTTATTCTATCAGAGG-3'

ClinVar aggregate classification (germline): Likely benign (1 of 4 stars; one submission).

Conditions:
FBN1-related disorder. Also called: FBN1-related disorders.

Submission:

PreventionGenetics, part of Exact Sciences
Classification: Likely benign for FBN1-related condition. Last evaluated: 2026-05-06. Review status: criteria provided, single submitter. Criteria: ACMG Guidelines, 2015. Collection method: clinical testing. Allele origin: germline.
Comment: This variant is classified as likely benign based on ACMG/AMP sequence variant interpretation guidelines (Richards et al. 2015 PMID: 25741868, with internal and published modifications).